The following is an entry in ClinVar:

ClinVar aggregate classification (germline): Uncertain significance (1 of 4 stars; one submission).

Conditions:
Joubert syndrome. Also called: CEREBELLOPARENCHYMAL DISORDER IV; JOUBERT-BOLTSHAUSER SYNDROME; Familial aplasia of the vermis. Identifiers: Orphanet 475, MedGen C5979921, MONDO:0018772.

Submission:

Labcorp Genetics (formerly Invitae), Labcorp
Classification: Uncertain significance for Joubert syndrome. Last evaluated: 2022-03-28. Review status: criteria provided, single submitter. Criteria: Invitae Variant Classification Sherloc (09022015). Collection method: clinical testing. Allele origin: germline.
Comment: In summary, the available evidence is currently insufficient to determine the role of this variant in disease. Therefore, it has been classified as a Variant of Uncertain Significance. Advanced modeling of protein sequence and biophysical properties (such as structural, functional, and spatial information, amino acid conservation, physicochemical variation, residue mobility, and thermodynamic stability) performed at Invitae indicates that this missense variant is not expected to disrupt AHI1 protein function. This variant has not been reported in the literature in individuals affected with AHI1-related conditions. This variant is not present in population databases (gnomAD no frequency). This sequence change replaces threonine, which is neutral and polar, with asparagine, which is neutral and polar, at codon 197 of the AHI1 protein (p.Thr197Asn).

NM_001134831.2(AHI1):c.590C>A (p.Thr197Asn)

Gene: AHI1 (Abelson helper integration site 1; minus strand). Cytogenetic location: 6q23.3.
Variant type: single nucleotide variant.
Coding change: c.590C>A on transcript NM_001134831.2 (MANE Select); coding-DNA position 590, C replaced by A.
Protein change: p.Thr197Asn; replaces threonine 197 with asparagine.
Molecular consequence: missense variant.
Genome position (GRCh38, 1-based): chr6:135,465,973, G>T on the plus strand (C>A on the coding strand, the complement: AHI1 is on the minus strand). VCF-style: chr6-135465973-G-T. GRCh37 (hg19) VCF-style: chr6-135787111-G-T.
Other names: c.590C>A, p.Thr197Asn (NM_001134830.2, NM_001134832.2, NM_001350503.2 and 2 more transcripts); short protein forms T197N.
Identifiers: ClinVar variation 1974735 (VCV001974735.5), dbSNP rs2485013451, ClinGen allele CA365751153.
Genomic context (GRCh38, chr6:135,465,973, plus strand): 5'-GTCAACTGTTCTTTCAGTTTCTTTCTTATTTTCCTCTTAATCTCCTTTGCCATTTCTTCA[G>T]TTACATGGCACTGATATGCTTGCATCAATTCTTCATCCTCTTCTAAATCAGTCTCTTCTC-3'
Protein context (NP_001128303.1, residues 187-207): ELMQAYQCHV[Thr197Asn]EEMAKEIKRK